The following is an entry in ClinVar:

ClinVar aggregate classification (germline): Uncertain significance (1 of 4 stars; one submission).

Allele frequency attached by ClinVar (database versions not stated): gnomAD exomes below 0.00001 and 0.00002; ExAC 0.00003.
gnomAD v4.1: 7 of 1,614,216 alleles (0.00043%); highest among the groups gnomAD compares: Non-Finnish European, 0.00059%; no homozygotes.

Submission:

Labcorp Genetics (formerly Invitae), Labcorp
Classification: Uncertain significance. Last evaluated: 2024-10-29. Review status: criteria provided, single submitter. Criteria: Invitae Variant Classification Sherloc (09022015). Collection method: clinical testing. Allele origin: germline.
Comment: This sequence change replaces arginine, which is basic and polar, with glutamine, which is neutral and polar, at codon 239 of the WARS2 protein (p.Arg239Gln). This variant is present in population databases (rs751913292, gnomAD 0.005%). This variant has not been reported in the literature in individuals affected with WARS2-related conditions. ClinVar contains an entry for this variant (Variation ID: 1416240). Invitae Evidence Modeling of protein sequence and biophysical properties (such as structural, functional, and spatial information, amino acid conservation, physicochemical variation, residue mobility, and thermodynamic stability) indicates that this missense variant is not expected to disrupt WARS2 protein function with a negative predictive value of 80%. In summary, the available evidence is currently insufficient to determine the role of this variant in disease. Therefore, it has been classified as a Variant of Uncertain Significance.

NM_015836.4(WARS2):c.716G>A (p.Arg239Gln)

Gene: WARS2 (tryptophanyl tRNA synthetase 2, mitochondrial; minus strand). Cytogenetic location: 1p12.
Variant type: single nucleotide variant.
Coding change: c.716G>A on transcript NM_015836.4 (MANE Select); coding-DNA position 716, G replaced by A.
Protein change: p.Arg239Gln; replaces arginine 239 with glutamine.
Molecular consequence: missense variant. On other transcripts: 3 prime UTR variant (2).
Genome position (GRCh38, 1-based): chr1:119,033,278, C>T on the plus strand (G>A on the coding strand, the complement: WARS2 is on the minus strand). VCF-style: chr1-119033278-C-T. GRCh37 (hg19) VCF-style: chr1-119575901-C-T.
Other names: c.647G>A, p.Arg216Gln (NM_001378226.1, NM_001378227.1); c.545G>A, p.Arg182Gln (NM_001378228.1); c.458G>A, p.Arg153Gln (NM_001378229.1); c.434G>A, p.Arg145Gln (NM_001378230.1); c.*51G>A (NM_001378231.1); c.*82G>A (NM_201263.2); short protein forms R145Q, R182Q, R239Q, R153Q, R216Q.
Identifiers: ClinVar variation 1416240 (VCV001416240.8), dbSNP rs751913292, ClinGen allele CA1035229.
Genomic context (GRCh38, chr1:119,033,278, plus strand): 5'-GTGAAGTCTGTCACAGCCTTGCGGAATTTCTGCACTATCTCCTCTGGGCTGTCTGTTATT[C>T]GGACGGTGGCCAGTTTGTCAGGGTCTGATTTCGACATTTTGGCAGAAGGATCACGTAGGG-3'
Protein context (NP_056651.1, residues 229-249): KSDPDKLATV[Arg239Gln]ITDSPEEIVQ